The following is an entry in ClinVar:

ClinVar aggregate classification (germline): Likely pathogenic (1 of 4 stars; one submission).

Conditions:
Becker muscular dystrophy, Cardiomyopathy, Duchenne muscular dystrophy, Dystrophin deficiency.

Submission:

Natera, Inc.
Classification: Likely pathogenic for Becker muscular dystrophy, Cardiomyopathy, Duchenne muscular dystrophy, Dystrophin deficiency. Last evaluated: 2025-07-30. Review status: criteria provided, single submitter. Criteria: Natera Variant Classification Schema (03/2026). Collection method: clinical testing. Allele origin: germline.
Comment: The c.4869del variant in DMD is a frameshift variant predicted to shift the reading frame beginning at codon 1623 and leads to a stop codon 6 codons downstream. This variant is expected to result in nonsense mediated decay, truncation, or a dysfunctional protein product. This variant is rare in the general population with a frequency below the threshold expected for the associated phenotype(s). Given the available evidence, this variant is classified as Likely Pathogenic.

NM_004006.3(DMD):c.4869del (p.Lys1623fs)

Gene: DMD (dystrophin; minus strand). Cytogenetic location: Xp21.1.
Variant type: Deletion.
Coding change: c.4869del on transcript NM_004006.3 (MANE Select); coding-DNA position 4869, one base deleted (A; older notation c.4869delA).
Protein change: p.Lys1623fs; shifts the reading frame from lysine 1623.
Molecular consequence: frameshift variant.
Genome position (GRCh38, 1-based): chrX:32,365,176, T deleted on the plus strand (A on the coding strand, the reverse complement: DMD is on the minus strand); the first of 3 consecutive T bases (chrX:32,365,176-32,365,178); deleting any one gives the same sequence. VCF-style (leftmost placement, unchanged base first): chrX-32365175-GT-G. GRCh37 (hg19) VCF-style: chrX-32383292-GT-G.
Other names: c.4845del, p.Lys1615fs (NM_000109.4); c.4867delA, p.Lys1623Asnfs (NM_004006.2); c.4857del, p.Lys1619fs (NM_004009.3); c.4500del, p.Lys1500fs (NM_004010.3); c.846del, p.Lys282fs (NM_004011.4); c.837del, p.Lys279fs (NM_004012.4); short protein forms K1500fs, K1615fs, K1619fs, K1623fs, K279fs, K282fs.
Identifiers: ClinVar variation 4815311 (VCV004815311.1).